The following is an entry in ClinVar:

ClinVar aggregate classification (germline): Conflicting classifications of pathogenicity. Review status: criteria provided, conflicting classifications (1 of 4 stars). 2 submissions from 2 submitters: Uncertain significance (1); Likely benign (1). Last evaluated 2023-03-17.

Conditions:
Inborn genetic diseases. Identifiers: MedGen C0950123, MeSH D030342.
Joubert syndrome. Also called: Familial aplasia of the vermis; CEREBELLOPARENCHYMAL DISORDER IV; JOUBERT-BOLTSHAUSER SYNDROME. Identifiers: Orphanet 475, MedGen C5979921, MONDO:0018772.

gnomAD v4.1: 1 of 1,613,652 alleles (0.000062%); highest among the groups gnomAD compares: Non-Finnish European, 0.000085%; no homozygotes.

Submissions (2):

Ambry Genetics
Classification: Likely benign for Inborn genetic diseases. Last evaluated: 2023-03-17. Review status: criteria provided, single submitter. Criteria: Ambry Variant Classification Scheme 2023. Collection method: clinical testing. Allele origin: germline.

Labcorp Genetics (formerly Invitae), Labcorp
Classification: Uncertain significance for Joubert syndrome. Last evaluated: 2022-02-02. Review status: criteria provided, single submitter. Criteria: Invitae Variant Classification Sherloc (09022015). Collection method: clinical testing. Allele origin: germline.
Comment: This variant is not present in population databases (gnomAD no frequency). This sequence change replaces valine, which is neutral and non-polar, with isoleucine, which is neutral and non-polar, at codon 737 of the AHI1 protein (p.Val737Ile). This variant has not been reported in the literature in individuals affected with AHI1-related conditions. ClinVar contains an entry for this variant (Variation ID: 1037312). Advanced modeling of protein sequence and biophysical properties (such as structural, functional, and spatial information, amino acid conservation, physicochemical variation, residue mobility, and thermodynamic stability) performed at Invitae indicates that this missense variant is not expected to disrupt AHI1 protein function. In summary, the available evidence is currently insufficient to determine the role of this variant in disease. Therefore, it has been classified as a Variant of Uncertain Significance.

NM_001134831.2(AHI1):c.2209G>A (p.Val737Ile)

Gene: AHI1 (Abelson helper integration site 1; minus strand). Cytogenetic location: 6q23.3.
Variant type: single nucleotide variant.
Coding change: c.2209G>A on transcript NM_001134831.2 (MANE Select); coding-DNA position 2209, G replaced by A.
Protein change: p.Val737Ile; replaces valine 737 with isoleucine.
Molecular consequence: missense variant.
Genome position (GRCh38, 1-based): chr6:135,433,084, C>T on the plus strand (G>A on the coding strand, the complement: AHI1 is on the minus strand). VCF-style: chr6-135433084-C-T. GRCh37 (hg19) VCF-style: chr6-135754222-C-T.
Other names: c.2209G>A, p.Val737Ile (NM_001134830.2, NM_001134832.2, NM_001350503.2 and 2 more transcripts); c.2209G>A (NM_017651.4); short protein forms V737I.
Identifiers: ClinVar variation 1037312 (VCV001037312.11), dbSNP rs1227775795, ClinGen allele CA365743477.